The following is an entry in ClinVar:

ClinVar aggregate classification (germline): Uncertain significance (1 of 4 stars; one submission).

Conditions:
Cardiovascular phenotype. Identifiers: MedGen CN230736.

Submission:

Ambry Genetics
Classification: Uncertain significance for Cardiovascular phenotype. Last evaluated: 2025-09-12. Review status: criteria provided, single submitter. Criteria: Ambry Variant Classification Scheme 2023. Collection method: clinical testing. Allele origin: germline.
Comment: The p.K254E variant (also known as c.760A>G), located in coding exon 6 of the LIPA gene, results from an A to G substitution at nucleotide position 760. The lysine at codon 254 is replaced by glutamic acid, an amino acid with similar properties. This amino acid position is conserved. In addition, this alteration is predicted to be tolerated by in silico analysis. Based on the available evidence, the clinical significance of this variant remains unclear.

NM_000235.4(LIPA):c.760A>G (p.Lys254Glu)

Gene: LIPA (lipase A, lysosomal acid type; minus strand). Cytogenetic location: 10q23.31.
Variant type: single nucleotide variant.
Coding change: c.760A>G on transcript NM_000235.4 (MANE Select); coding-DNA position 760, A replaced by G.
Protein change: p.Lys254Glu; replaces lysine 254 with glutamic acid.
Molecular consequence: missense variant.
Genome position (GRCh38, 1-based): chr10:89,223,746, T>C on the plus strand (A>G on the coding strand, the complement: LIPA is on the minus strand). VCF-style: chr10-89223746-T-C. GRCh37 (hg19) VCF-style: chr10-90983503-T-C.
Other names: c.760A>G, p.Lys254Glu (NM_001127605.3, NM_001440818.1, NM_001440819.1 and 16 more transcripts); c.412A>G, p.Lys138Glu (NM_001288979.2); c.892A>G, p.Lys298Glu (NM_001440836.1); c.781A>G, p.Lys261Glu (NM_001440837.1); c.775A>G, p.Lys259Glu (NM_001440838.1); c.592A>G, p.Lys198Glu (NM_001440839.1); short protein forms K259E, K254E, K138E, K261E, K298E, K198E.
Identifiers: ClinVar variation 4098212 (VCV004098212.1).